The following is an entry in ClinVar:

ClinVar aggregate classification (germline): Benign/Likely benign. Review status: criteria provided, multiple submitters, no conflicts (2 of 4 stars). 11 submissions from 11 submitters: Benign (9); Likely benign (1). 1 of the submissions does not count toward it. Last evaluated 2026-02-04.

Conditions:
Leukocyte adhesion deficiency 1 (LAD1). Also called: LEUKOCYTE ADHESION DEFICIENCY, TYPE I; LAD 1; Lymphocyte function-associated antigen 1 immunodeficiency; LFA 1 immunodeficiency. Identifiers: Orphanet 2968, Orphanet 99842, MedGen C0398738, MONDO:0007293, OMIM 116920.

Allele frequency attached by ClinVar (database versions not stated): 1000 Genomes Project 0.08127; TOPMed 0.11307; gnomAD 0.12083 and 0.12263; gnomAD exomes 0.12444 and 0.14825; ESP Exome Variant Server 0.12533; ExAC 0.12676; 1000 Genomes Project 30x 0.08120.
gnomAD v4.1: 234,224 of 1,613,112 alleles (15%); highest among the groups gnomAD compares: Non-Finnish European, 16%; 18,231 homozygotes.

Submissions (11):

Labcorp Genetics (formerly Invitae), Labcorp
Classification: Benign for Leukocyte adhesion deficiency 1. Last evaluated: 2026-02-04. Review status: criteria provided, single submitter. Criteria: Invitae Variant Classification Sherloc (09022015). Collection method: clinical testing. Allele origin: germline.

Women's Health and Genetics/Laboratory Corporation of America, LabCorp
Classification: Benign. Last evaluated: 2026-01-21. Review status: criteria provided, single submitter. Criteria: LabCorp Variant Classification Summary - May 2015. Collection method: clinical testing. Allele origin: germline.

Blueprint Genetics
Classification: Likely benign. Last evaluated: 2024-11-28. Review status: criteria provided, single submitter. Criteria: ACMG Guidelines, 2015. Collection method: clinical testing. Allele origin: germline.

Unidad de Genómica Garrahan, Hospital de Pediatría Garrahan
Classification: Benign. Last evaluated: 2024-01-24. Review status: criteria provided, single submitter. Criteria: ACMG Guidelines, 2015. Collection method: clinical testing. Allele origin: germline. Affected: no. Observed: 25 variant alleles.
Comment: This variant is classified as Benign based on local population frequency. This variant was detected in 26% of patients studied by a panel of primary immunodeficiencies. Number of patients: 25. Only high quality variants are reported.

Genome-Nilou Lab
Classification: Benign for Leukocyte adhesion deficiency 1. Last evaluated: 2021-08-19. Review status: criteria provided, single submitter. Criteria: ACMG Guidelines, 2015. Collection method: clinical testing. Allele origin: germline. Affected: no.

Mayo Clinic Laboratories, Mayo Clinic
Classification: Benign. Last evaluated: 2018-10-03. Review status: criteria provided, single submitter. Criteria: ACMG Guidelines, 2015. Collection method: clinical testing. Allele origin: germline. Observed: 205 variant alleles.

Illumina Laboratory Services, Illumina
Classification: Benign for Leukocyte adhesion deficiency 1. Last evaluated: 2018-01-13. Review status: criteria provided, single submitter. Criteria: ICSL Variant Classification Criteria 13 December 2019. Collection method: clinical testing. Allele origin: germline.
Comment: This variant was observed in the ICSL laboratory as part of a predisposition screen in an ostensibly healthy population. It had not been previously curated by ICSL or reported in the Human Gene Mutation Database (HGMD: prior to June 1st, 2018), and was therefore a candidate for classification through an automated scoring system. Utilizing variant allele frequency, disease prevalence and penetrance estimates, and inheritance mode, an automated score was calculated to assess if this variant is too frequent to cause the disease. Based on the score and internal cut-off values, a variant classified as benign is not then subjected to further curation. The score for this variant resulted in a classification of benign for this disease.

Laboratory for Molecular Medicine, Mass General Brigham Personalized Medicine
Classification: Benign. Last evaluated: 2016-03-28. Review status: criteria provided, single submitter. Criteria: LMM Criteria. Collection method: clinical testing. Allele origin: germline.
Comment: Variant identified in a genome or exome case(s) and assessed due to predicted null impact of the variant or pathogenic assertions in the literature or databases. Disclaimer: This variant has not undergone full assessment. The following are preliminary notes: Frequency

GeneDx
Classification: Benign. Last evaluated: 2015-03-03. Review status: criteria provided, single submitter. Criteria: GeneDx Variant Classification Process June 2021. Collection method: clinical testing. Allele origin: germline. Affected: yes.

Breakthrough Genomics
Classification: Benign. Review status: criteria provided, single submitter. Criteria: ACMG Guidelines, 2015. Collection method: not provided. Allele origin: germline. Inheritance: Autosomal recessive inheritance. Affected: yes.

Genomic Research Center, Shahid Beheshti University of Medical Sciences
No classification provided. Condition: Leukocyte adhesion deficiency type 1. Review status: no classification provided. Collection method: not provided. Allele origin: inherited. Study: Mutation spectra of the ITGB2 gene in Iranian families with leukocyte adhesion deficiency type 1. Not counted in ClinVar's aggregate classification.
ClinVar note: Converted during submission from untested to not provided.

NM_000211.5(ITGB2):c.742-13G>A

Gene: ITGB2 (integrin subunit beta 2; minus strand). Cytogenetic location: 21q22.3.
Variant type: single nucleotide variant.
Coding change: c.742-13G>A on transcript NM_000211.5 (MANE Select); 13 bases into the intron before coding-DNA position 742, G replaced by A.
Molecular consequence: intron variant.
Genome position (GRCh38, 1-based): chr21:44,900,488, C>T on the plus strand (G>A on the coding strand, the complement: ITGB2 is on the minus strand). VCF-style: chr21-44900488-C-T. GRCh37 (hg19) VCF-style: chr21-46320403-C-T.
Other names: IVS6-13G>A; p.?; c.742-13G>A (NM_001127491.3); c.535-13G>A (NM_001303238.2).
Identifiers: ClinVar variation 100760 (VCV000100760.28), dbSNP rs5030670, ClinGen allele CA249778.